The following is an entry in ClinVar:

ClinVar aggregate classification (germline): Uncertain significance. Review status: reviewed by expert panel (3 of 4 stars). 8 submissions from 8 submitters: Uncertain significance (1). 7 of the submissions do not count toward it. Last evaluated 2025-08-01.

Conditions:
Malignant hyperthermia, susceptibility to, 1 (MHS1). Also called: Anesthesia related hyperthermia; Malignant hyperpyrexia; Fulminating hyperpyrexia; Pharmacogenic myopathy; Malignant hyperthermia suceptibility 1; RYR1-Related Malignant Hyperthermia Susceptibility. Identifiers: Orphanet 423, MedGen C2930980, MONDO:0007783, OMIM 145600.
RYR1-related disorder. Also called: RYR1-related condition; RYR1-related disorders. Identifiers: MedGen CN239331.

Allele frequency attached by ClinVar (database versions not stated): TOPMed below 0.00001; gnomAD 0.00001; gnomAD exomes 0.00001; ExAC 0.00002.
gnomAD v4.1: 9 of 1,613,164 alleles (0.00056%); highest among the groups gnomAD compares: Middle Eastern, 0.016%; no homozygotes.

Submissions (8):

ClinGen Malignant Hyperthermia Susceptibility Variant Curation Expert Panel, ClinGen
Classification: Uncertain significance for Malignant hyperthermia, susceptibility to, 1. Last evaluated: 2025-08-01. Review status: reviewed by expert panel. Criteria: ClinGen MHS ACMG Specifications V2. Collection method: curation. Allele origin: germline. Inheritance: Autosomal dominant inheritance. Study: ClinGen.
Comment: This pathogenicity assessment is relevant only for malignant hyperthermia susceptibility (MHS) inherited in an autosomal dominant pattern. Variants in RYR1 can also cause other myopathies inherited in an autosomal dominant pattern or in an autosomal recessive pattern. Some of these disorders may predispose individuals to malignant hyperthermia. RYR1 variants may also contribute to a malignant hyperthermia reaction in combination with other genetic and non-genetic factors and the clinician needs to consider such factors in making management decisions. This sequence variant predicts a substitution of arginine with glutamine at codon 975 of the RYR1 protein, (p.Arg975Gln). The maximum allele frequency for this variant among the six major gnomAD populations is NFE: 0.00002, a frequency consistent with pathogenicity for MHS. This variant has been reported in an individual with a personal or family history of an MH episode and a positive in vitro contracture test (IVCT) or caffeine halothane contracture test (CHCT) result (if the proband was unavailable for testing, a positive diagnostic test result in a mutation-positive relative was counted), PS4_Supporting (PMID:30236257). No functional studies were identified for this variant. This variant does not reside in a hotspot for pathogenic variants that contribute to MHS. A REVEL score <0.5 (0.329) supports a benign status for this variant, BP4. This variant has been classified as a Variant of Unknown Significance. Criteria implemented: PS4_supporting, BP4.

Labcorp Genetics (formerly Invitae), Labcorp
Classification: Uncertain significance for RYR1-related disorder. Last evaluated: 2025-09-03. Review status: criteria provided, single submitter. Criteria: Invitae Variant Classification Sherloc (09022015). Collection method: clinical testing. Allele origin: germline. Not counted in ClinVar's aggregate classification.
Comment: This sequence change replaces arginine, which is basic and polar, with glutamine, which is neutral and polar, at codon 975 of the RYR1 protein (p.Arg975Gln). This variant is present in population databases (rs778241277, gnomAD 0.002%). This missense change has been observed in individual(s) with malignant hyperthermia susceptibility (PMID: 30236257). ClinVar contains an entry for this variant (Variation ID: 590508). Invitae Evidence Modeling of protein sequence and biophysical properties (such as structural, functional, and spatial information, amino acid conservation, physicochemical variation, residue mobility, and thermodynamic stability) indicates that this missense variant is not expected to disrupt RYR1 protein function with a negative predictive value of 80%. This variant disrupts the Trp975 amino acid residue in RYR1. Other variant(s) that disrupt this residue have been observed in individuals with RYR1-related conditions (PMID: 23558838, 30155738), which suggests that this may be a clinically significant amino acid residue. In summary, the available evidence is currently insufficient to determine the role of this variant in disease. Therefore, it has been classified as a Variant of Uncertain Significance.

Women's Health and Genetics/Laboratory Corporation of America, LabCorp
Classification: Uncertain significance. Last evaluated: 2024-09-03. Review status: criteria provided, single submitter. Criteria: LabCorp Variant Classification Summary - May 2015. Collection method: clinical testing. Allele origin: germline. Not counted in ClinVar's aggregate classification.
Comment: Variant summary: RYR1 c.2924G>A (p.Arg975Gln) results in a conservative amino acid change located in the Ryanodine receptor Ryr (IPR003032) of the encoded protein sequence. Five of five in-silico tools predict a benign effect of the variant on protein function. The variant allele was found at a frequency of 1.2e-05 in 246568 control chromosomes (gnomAD). The available data on variant occurrences in the general population are insufficient to allow any conclusion about variant significance. c.2924G>A has been reported in the literature in at least an individual affected with malignant hyperthermia (example: Miller_2018). This report does not provide unequivocal conclusions about association of the variant with Malignant Hyperthermia Susceptibility. To our knowledge, no experimental evidence demonstrating an impact on protein function has been reported. The following publications have been ascertained in the context of this evaluation (PMID: 35849058, 30236257). ClinVar contains an entry for this variant (Variation ID: 590508). Based on the evidence outlined above, the variant was classified as uncertain significance.

All of Us Research Program, National Institutes of Health
Classification: Uncertain significance for Malignant hyperthermia, susceptibility to, 1. Last evaluated: 2023-11-20. Review status: criteria provided, single submitter. Criteria: ACMG Guidelines, 2015. Collection method: clinical testing. Allele origin: germline. Inheritance: Autosomal dominant inheritance. Observed: 1 variant allele, 1 heterozygote. Not counted in ClinVar's aggregate classification.
Comment: This missense variant replaces arginine with glutamine at codon 975 of the RYR1 protein. Computational prediction suggests that this variant may not impact protein structure and function (internally defined REVEL score threshold <= 0.5, PMID: 27666373). To our knowledge, functional studies have not been reported for this variant. This variant has been reported in at least one individual affected with malignant hyperthermia susceptibility (PMID: 30236257). This variant has been identified in 3/246568 chromosomes in the general population by the Genome Aggregation Database (gnomAD). The available evidence is insufficient to determine the role of this variant in disease conclusively. Therefore, this variant is classified as a Variant of Uncertain Significance.

This study involves interpretation of variants in research participants for the purpose of population health screening. Participant phenotype was not available at the time of variant classification. Additional details can be found in publication PMID: 35346344, PMCID: PMC8962531

Baylor Genetics
Classification: Uncertain significance for Malignant hyperthermia, susceptibility to, 1. Last evaluated: 2023-04-26. Review status: criteria provided, single submitter. Criteria: ACMG Guidelines, 2015. Collection method: clinical testing. Allele origin: unknown. Not counted in ClinVar's aggregate classification.

Blueprint Genetics
Classification: Uncertain significance. Last evaluated: 2021-09-28. Review status: criteria provided, single submitter. Criteria: ACMG Guidelines, 2015. Collection method: clinical testing. Allele origin: germline. Not counted in ClinVar's aggregate classification.

Revvity Omics, Revvity
Classification: Uncertain significance. Last evaluated: 2019-09-02. Review status: criteria provided, single submitter. Criteria: ACMG Guidelines, 2015. Collection method: clinical testing. Allele origin: germline. Not counted in ClinVar's aggregate classification.

PreventionGenetics, part of Exact Sciences
Classification: Uncertain significance. Last evaluated: 2015-08-17. Review status: criteria provided, single submitter. Criteria: ACMG Guidelines, 2015. Collection method: clinical testing. Allele origin: germline. Not counted in ClinVar's aggregate classification.

Literature cited by the submitters: PubMed 30236257 (cited by 3 submitters); PubMed 23558838 (cited by Labcorp Genetics (formerly Invitae), Labcorp); PubMed 30155738 (cited by Labcorp Genetics (formerly Invitae), Labcorp); PubMed 35849058 (cited by Women's Health and Genetics/Laboratory Corporation of America, LabCorp).

NM_000540.3(RYR1):c.2924G>A (p.Arg975Gln)

Gene: RYR1 (ryanodine receptor 1; plus strand). Cytogenetic location: 19q13.2.
Variant type: single nucleotide variant.
Coding change: c.2924G>A on transcript NM_000540.3 (MANE Select); coding-DNA position 2924, G replaced by A.
Protein change: p.Arg975Gln; replaces arginine 975 with glutamine.
Molecular consequence: missense variant.
Genome position (GRCh38, 1-based): chr19:38,466,144, G>A. VCF-style: chr19-38466144-G-A. GRCh37 (hg19) VCF-style: chr19-38956784-G-A.
Other names: NM_000540.2(RYR1):c.2924G>A; p.Arg975Gln; c.2924G>A, p.Arg975Gln (NM_001042723.2); short protein forms R975Q.
Identifiers: ClinVar variation 590508 (VCV000590508.15), dbSNP rs778241277, ClinGen allele CA064203.
Genomic context (GRCh38, chr19:38,466,144, plus strand): 5'-CCCGCAGGTATATGATGAGCAATGGGTACAAGCCGGCTCCGCTGGACCTGAGCCACGTGC[G>A]GCTGACGCCGGCGCAGACGACACTGGTGGACCGTCTGGCAGAAAATGGGCACAACGTGTG-3'
Protein context (NP_000531.2, residues 965-985): KPAPLDLSHV[Arg975Gln]LTPAQTTLVD